The following is an entry in ClinVar:

ClinVar aggregate classification (germline): Uncertain significance (1 of 4 stars; one submission).

Conditions:
Atypical hemolytic-uremic syndrome. Identifiers: Orphanet 2134, MedGen C2931788, MONDO:0016244.
Basal laminar drusen. Also called: DRUSEN OF BRUCH MEMBRANE; DRUSEN, CUTICULAR; DRUSEN, EARLY ADULT-ONSET, GROUPED. Identifiers: Orphanet 75376, MedGen C0730295, MONDO:0007472, OMIM 126700.
Factor H deficiency (CFHD). Also called: COMPLEMENT FACTOR H DEFICIENCY; CFH DEFICIENCY. Identifiers: Orphanet 200421, MedGen C0398777, MONDO:0012350, OMIM 609814.
Age related macular degeneration 4. Identifiers: MedGen C1853147, MONDO:0012540, OMIM 610698.

Submission:

Genomenon, Inc
Classification: Uncertain significance for Basal laminar drusen; Age related macular degeneration 4; Atypical hemolytic-uremic syndrome; Factor H deficiency. Last evaluated: 2025-10-02. Review status: criteria provided, single submitter. Criteria: Genomenon Sequence Variant Interpretation Standards - Updated. Collection method: curation. Allele origin: germline. Affected: no.
Comment: CFH p.Val1007Leu (c.3019G>C) is a missense variant that changes the amino acid at residue 1007 from Valine to Leucine. This variant has been reported in the published literature (PMID:34508573). It is absent or not present at a significant frequency in gnomAD. In silico models agree that this variant is not damaging. In conclusion, we classify CFH p.Val1007Leu (c.3019G>C) as a variant of uncertain significance.

Literature cited by the submitters: PubMed 34508573.

NM_000186.4(CFH):c.3019G>C (p.Val1007Leu)

Gene: CFH (complement factor H; plus strand). Cytogenetic location: 1q31.3.
Variant type: single nucleotide variant.
Coding change: c.3019G>C on transcript NM_000186.4 (MANE Select); coding-DNA position 3019, G replaced by C.
Protein change: p.Val1007Leu; replaces valine 1007 with leucine.
Molecular consequence: missense variant.
Genome position (GRCh38, 1-based): chr1:196,741,937, G>C. VCF-style: chr1-196741937-G-C. GRCh37 (hg19) VCF-style: chr1-196711067-G-C.
Other names: short protein forms V1007L.
Identifiers: ClinVar variation 4291666 (VCV004291666.1).